The following is an entry in ClinVar:

ClinVar aggregate classification (germline): Likely benign. Review status: criteria provided, single submitter (1 of 4 stars). 2 submissions from 2 submitters: Likely benign (1). 1 of the submissions does not count toward it. Last evaluated 2024-11-14.

Conditions:
PGM1-related disorder. Also called: PGM1-related disorders; PGM1-related condition.

Allele frequency attached by ClinVar (database versions not stated): gnomAD exomes 0.00001; ExAC 0.00002; TOPMed 0.00002; gnomAD 0.00003.
gnomAD v4.1: 23 of 1,612,442 alleles (0.0014%); highest among the groups gnomAD compares: Admixed American, 0.013%; no homozygotes.

Submissions (2):

Blueprint Genetics
Classification: Likely benign. Last evaluated: 2024-11-14. Review status: criteria provided, single submitter. Criteria: ACMG Guidelines, 2015. Collection method: clinical testing. Allele origin: germline.

PreventionGenetics, part of Exact Sciences
Classification: Likely benign for PGM1-related condition. Last evaluated: 2023-12-19. Review status: no assertion criteria provided. Collection method: clinical testing. Allele origin: germline. Not counted in ClinVar's aggregate classification.
Comment: This variant is classified as likely benign based on ACMG/AMP sequence variant interpretation guidelines (Richards et al. 2015 PMID: 25741868, with internal and published modifications).

NM_002633.3(PGM1):c.247-5929T>C

Gene: PGM1 (phosphoglucomutase 1; plus strand). Cytogenetic location: 1p31.3.
Variant type: single nucleotide variant.
Coding change: c.247-5929T>C on transcript NM_002633.3 (MANE Select); 5929 bases into the intron before coding-DNA position 247, T replaced by C.
Molecular consequence: intron variant. On other transcripts: synonymous variant (1).
Genome position (GRCh38, 1-based): chr1:63,623,496, T>C. VCF-style: chr1-63623496-T-C. GRCh37 (hg19) VCF-style: chr1-64089167-T-C.
Other names: c.36T>C, p.Tyr12= (NM_001172818.1); c.-345-5929T>C (NM_001172819.2).
Identifiers: ClinVar variation 3041713 (VCV003041713.3), dbSNP rs759014526, ClinGen allele CA889426.